The following is an entry in ClinVar:

NM_001983.4(ERCC1):c.225G>A (p.Thr75=)

Gene: ERCC1 (ERCC excision repair 1, endonuclease non-catalytic subunit; minus strand). Cytogenetic location: 19q13.32.
Variant type: single nucleotide variant.
Coding change: c.225G>A on transcript NM_001983.4 (MANE Select); coding-DNA position 225, G replaced by A.
Protein change: p.Thr75=; no amino-acid change (threonine 75 retained).
Molecular consequence: synonymous variant.
Genome position (GRCh38, 1-based): chr19:45,421,274, C>T on the plus strand (G>A on the coding strand, the complement: ERCC1 is on the minus strand). VCF-style: chr19-45421274-C-T. GRCh37 (hg19) VCF-style: chr19-45924532-C-T.
Other names: c.225G>A, p.Thr75= (NM_001166049.2, NM_001369408.1, NM_001369409.1 and 11 more transcripts).
Identifiers: ClinVar variation 1215525 (VCV001215525.14), dbSNP rs3212947, ClinGen allele CA9515526.

ClinVar aggregate classification (germline): Benign/Likely benign. Review status: criteria provided, multiple submitters, no conflicts (2 of 4 stars). 4 submissions from 4 submitters: Benign (1); Likely benign (2). 1 of the submissions does not count toward it. Last evaluated 2026-01-20.

Conditions:
ERCC1-related disorder. Also called: ERCC1-related condition.

Allele frequency attached by ClinVar (database versions not stated): ExAC 0.01142; gnomAD 0.01160 and 0.01227; TOPMed 0.01238; ESP Exome Variant Server 0.01615; 1000 Genomes Project 0.00499; 1000 Genomes Project 30x 0.00500.
gnomAD v4.1: 28,418 of 1,614,110 alleles (1.8%); highest among the groups gnomAD compares: Non-Finnish European, 2.2%; 330 homozygotes.

Submissions (4):

Labcorp Genetics (formerly Invitae), Labcorp
Classification: Benign. Last evaluated: 2026-01-20. Review status: criteria provided, single submitter. Criteria: Invitae Variant Classification Sherloc (09022015). Collection method: clinical testing. Allele origin: germline.

GeneDx
Classification: Likely benign. Last evaluated: 2021-03-26. Review status: criteria provided, single submitter. Criteria: GeneDx Variant Classification Process June 2021. Collection method: clinical testing. Allele origin: germline. Affected: yes.

Breakthrough Genomics
Classification: Likely benign. Review status: criteria provided, single submitter. Criteria: ACMG Guidelines, 2015. Collection method: not provided. Allele origin: germline. Inheritance: Autosomal recessive inheritance. Affected: yes.

PreventionGenetics, part of Exact Sciences
Classification: Benign for ERCC1-related condition. Last evaluated: 2019-07-15. Review status: no assertion criteria provided. Collection method: clinical testing. Allele origin: germline. Not counted in ClinVar's aggregate classification.
Comment: This variant is classified as benign based on ACMG/AMP sequence variant interpretation guidelines (Richards et al. 2015 PMID: 25741868, with internal and published modifications).